The following is an entry in ClinVar:

NM_000540.3(RYR1):c.5369G>A (p.Gly1790Glu)

Gene: RYR1 (ryanodine receptor 1; plus strand). Cytogenetic location: 19q13.2.
Variant type: single nucleotide variant.
Coding change: c.5369G>A on transcript NM_000540.3 (MANE Select); coding-DNA position 5369, G replaced by A.
Protein change: p.Gly1790Glu; replaces glycine 1790 with glutamic acid.
Molecular consequence: missense variant.
Genome position (GRCh38, 1-based): chr19:38,486,024, G>A. VCF-style: chr19-38486024-G-A. GRCh37 (hg19) VCF-style: chr19-38976664-G-A.
Other names: c.5369G>A, p.Gly1790Glu (NM_001042723.2); short protein forms G1790E.
Identifiers: ClinVar variation 4757672 (VCV004757672.1).
Genomic context (GRCh38, chr19:38,486,024, plus strand): 5'-CGCTGAGGCCCCCGCATCATTTCTCGCCCCCCTGTTTCGTGGCCGCTCTGCCAGCTGCTG[G>A]GGCAGCAGAGGCCCCGGCCCGCCTCAGCCCTGCCATCCCGCTGGAGGCCCTGCGGGACAA-3'
Protein context (NP_000531.2, residues 1780-1800): PCFVAALPAA[Gly1790Glu]AAEAPARLSP

ClinVar aggregate classification (germline): Uncertain significance (1 of 4 stars; one submission).

Conditions:
Malignant hyperthermia, susceptibility to, 1 (MHS1). Also called: RYR1-Related Malignant Hyperthermia Susceptibility; Malignant hyperthermia suceptibility 1; Anesthesia related hyperthermia; Malignant hyperpyrexia; Fulminating hyperpyrexia; Pharmacogenic myopathy. Identifiers: Orphanet 423, MedGen C2930980, MONDO:0007783, OMIM 145600.

gnomAD v4.1: 2 of 1,613,270 alleles (0.00012%); highest among the groups gnomAD compares: East Asian, 0.0045%; no homozygotes.

Submission:

Color Diagnostics, LLC DBA Color Health
Classification: Uncertain significance for Malignant hyperthermia, susceptibility to, 1. Last evaluated: 2025-07-17. Review status: criteria provided, single submitter. Criteria: ACMG Guidelines, 2015. Collection method: clinical testing. Allele origin: germline.
Comment: This missense variant replaces glycine with glutamic acid at codon 1790 of the RYR1 protein. Computational prediction suggests that this variant may not impact protein structure and function. To our knowledge, functional studies have not been reported for this variant. This variant has not been reported in individuals affected with RYR1-related disorders in the literature. This variant has not been identified in the general population by the Genome Aggregation Database (gnomAD). The available evidence is insufficient to determine the role of this variant in disease conclusively. Therefore, this variant is classified as a Variant of Uncertain Significance.